The following is an entry in ClinVar:

ClinVar aggregate classification (germline): Uncertain significance (1 of 4 stars; one submission).

Allele frequency attached by ClinVar (database versions not stated): gnomAD exomes below 0.00001; ExAC 0.00002; gnomAD 0.00002; TOPMed 0.00003.
gnomAD v4.1: 4 of 1,614,126 alleles (0.00025%); highest among the groups gnomAD compares: African/African-American, 0.0053%; no homozygotes.

Submission:

Labcorp Genetics (formerly Invitae), Labcorp
Classification: Uncertain significance. Last evaluated: 2022-08-31. Review status: criteria provided, single submitter. Criteria: Invitae Variant Classification Sherloc (09022015). Collection method: clinical testing. Allele origin: germline.
Comment: In summary, the available evidence is currently insufficient to determine the role of this variant in disease. Therefore, it has been classified as a Variant of Uncertain Significance. Algorithms developed to predict the effect of missense changes on protein structure and function are either unavailable or do not agree on the potential impact of this missense change (SIFT: "Not Available"; PolyPhen-2: "Benign"; Align-GVGD: "Not Available"). This variant has not been reported in the literature in individuals affected with NDUFS4-related conditions. This variant is present in population databases (no rsID available, gnomAD 0.01%). This sequence change replaces valine, which is neutral and non-polar, with leucine, which is neutral and non-polar, at codon 9 of the NDUFS4 protein (p.Val9Leu).

NM_002495.4(NDUFS4):c.25G>C (p.Val9Leu)

Genes: NDUFS4 (NADH:ubiquinone oxidoreductase subunit S4; plus strand), LOC129993885 (ATAC-STARR-seq lymphoblastoid active region 22547; plus strand). Cytogenetic location: 5q11.2.
Variant type: single nucleotide variant.
Coding change: c.25G>C on transcript NM_002495.4 (MANE Select); coding-DNA position 25, G replaced by C.
Protein change: p.Val9Leu; replaces valine 9 with leucine.
Molecular consequence: missense variant. On other transcripts: non-coding transcript variant (3).
Genome position (GRCh38, 1-based): chr5:53,560,687, G>C. VCF-style: chr5-53560687-G-C. GRCh37 (hg19) VCF-style: chr5-52856517-G-C.
Other names: c.25G>C, p.Val9Leu (NM_001318051.2); short protein forms V9L.
Identifiers: ClinVar variation 1912032 (VCV001912032.5), dbSNP rs1024859123, ClinGen allele CA3264128.
Genomic context (GRCh38, chr5:53,560,687, plus strand): 5'-ATCCGTCCTTTCATCCTGGCGTTTGCCTGCAGCAAGATGGCGGCGGTGTCAATGTCAGTG[G>C]TACTGAGGCAGACGTTGTGGCGGAGAAGGGCAGTGGCTGTAGCTGCCCTTTCCGTTTCCA-3'
Protein context (NP_002486.1, residues 1-19): MAAVSMSV[Val9Leu]LRQTLWRRRA